The following is an entry in ClinVar:

NM_001123385.2(BCOR):c.5174A>C (p.Asp1725Ala)

Gene: BCOR (BCL6 corepressor; minus strand). Cytogenetic location: Xp11.4.
Variant type: single nucleotide variant.
Coding change: c.5174A>C on transcript NM_001123385.2 (MANE Select); coding-DNA position 5174, A replaced by C.
Protein change: p.Asp1725Ala; replaces aspartic acid 1725 with alanine.
Molecular consequence: missense variant.
Genome position (GRCh38, 1-based): chrX:40,052,203, T>G on the plus strand (A>C on the coding strand, the complement: BCOR is on the minus strand). VCF-style: chrX-40052203-T-G. GRCh37 (hg19) VCF-style: chrX-39911456-T-G.
Other names: c.5072A>C, p.Asp1691Ala (NM_001123383.2, NM_017745.6); c.5018A>C, p.Asp1673Ala (NM_001123384.2); short protein forms D1691A, D1725A, D1673A.
Identifiers: ClinVar variation 386688 (VCV000386688.2), dbSNP rs1057522572, ClinGen allele CA16608861.

ClinVar aggregate classification (germline): Uncertain significance (1 of 4 stars; one submission).

Submission:

GeneDx
Classification: Uncertain significance. Last evaluated: 2016-05-25. Review status: criteria provided, single submitter. Criteria: GeneDx Variant Classification (06012015). Collection method: clinical testing. Allele origin: germline. Affected: yes.
Comment: The D1691A variant in the BCOR gene has not been reported previously as a pathogenic variant, nor as a benign variant, to our knowledge. The D1691A variant was not observed in approximately 6,500 individuals of European and African American ancestry in the NHLBI Exome Sequencing Project, indicating it is not a common benign variant in these populations. The D1691A variant is a non-conservative amino acid substitution, which is likely to impact secondary protein structure as these residues differ in polarity, charge, size and/or other properties. This substitution occurs at a position that is conserved across species. In silico analysis predicts this variant is probably damaging to the protein structure/function. We interpret D1691A as a variant of uncertain significance.